The following is an entry in ClinVar:

NM_002454.3(MTRR):c.635T>C (p.Val212Ala)

Gene: MTRR (5-methyltetrahydrofolate-homocysteine methyltransferase reductase; plus strand). Cytogenetic location: 5p15.31.
Variant type: single nucleotide variant.
Coding change: c.635T>C on transcript NM_002454.3 (MANE Select); coding-DNA position 635, T replaced by C.
Protein change: p.Val212Ala; replaces valine 212 with alanine.
Molecular consequence: missense variant. On other transcripts: non-coding transcript variant (14).
Genome position (GRCh38, 1-based): chr5:7,878,177, T>C. VCF-style: chr5-7878177-T-C. GRCh37 (hg19) VCF-style: chr5-7878290-T-C.
Other names: c.635T>C, p.Val212Ala (NM_001364440.2, NM_001364441.2, NM_001364442.2 and 1 more transcripts); short protein forms V212A.
Identifiers: ClinVar variation 2099489 (VCV002099489.3), dbSNP rs2478802034, ClinGen allele CA359157151.
Genomic context (GRCh38, chr5:7,878,177, plus strand): 5'-AGCTTCTGAGATTCGATGATTCAGGAAGAAAGGATTCTGAGGTTTTGAAGCAAAATGCAG[T>C]GAACAGCAACCAATCCAATGTTGTAATTGAAGACTTTGAGTCCTCACTTACCCGTTCGGT-3'
Protein context (NP_002445.2, residues 202-222): KDSEVLKQNA[Val212Ala]NSNQSNVVIE

ClinVar aggregate classification (germline): Uncertain significance (1 of 4 stars; one submission).

Conditions:
Methylcobalamin deficiency type cblE (HMAE). Also called: HOMOCYSTINURIA-MEGALOBLASTIC ANEMIA, cblE TYPE; VITAMIN B12-RESPONSIVE HOMOCYSTINURIA, cblE TYPE; HOMOCYSTINURIA-MEGALOBLASTIC ANEMIA, cblE COMPLEMENTATION TYPE. Identifiers: Orphanet 2169, Orphanet 622, MedGen C1856057, MONDO:0009354, OMIM 236270.

Allele frequency attached by ClinVar (database versions not stated): gnomAD exomes below 0.00001.
gnomAD v4.1: 1 of 1,614,166 alleles (0.000062%); highest among the groups gnomAD compares: Non-Finnish European, 0.000085%; no homozygotes.

Submission:

Labcorp Genetics (formerly Invitae), Labcorp
Classification: Uncertain significance for Methylcobalamin deficiency type cblE. Last evaluated: 2024-11-11. Review status: criteria provided, single submitter. Criteria: Invitae Variant Classification Sherloc (09022015). Collection method: clinical testing. Allele origin: germline.
Comment: This sequence change replaces valine, which is neutral and non-polar, with alanine, which is neutral and non-polar, at codon 212 of the MTRR protein (p.Val212Ala). This variant is not present in population databases (gnomAD no frequency). This variant has not been reported in the literature in individuals affected with MTRR-related conditions. ClinVar contains an entry for this variant (Variation ID: 2099489). An algorithm developed to predict the effect of missense changes on protein structure and function outputs the following: PolyPhen-2: "Benign". The alanine amino acid residue is found in multiple mammalian species, which suggests that this missense change does not adversely affect protein function. In summary, the available evidence is currently insufficient to determine the role of this variant in disease. Therefore, it has been classified as a Variant of Uncertain Significance.